The following is an entry in ClinVar:

ClinVar aggregate classification (germline): Uncertain significance (1 of 4 stars; one submission).

Conditions:
Hereditary pancreatitis (PCTT). Also called: Hereditary chronic pancreatitis; PRSS1-Related Hereditary Pancreatitis. Identifiers: Orphanet 676, MedGen C0238339, MONDO:0008185, OMIM 167800.

Submission:

Ambry Genetics
Classification: Uncertain significance for Hereditary pancreatitis. Last evaluated: 2022-06-13. Review status: criteria provided, single submitter. Criteria: Ambry Variant Classification Scheme 2023. Collection method: clinical testing. Allele origin: germline.
Comment: The p.N233H variant (also known as c.697A>C) is located in coding exon 7 of the CPA1 gene. The asparagine at codon 233 is replaced by histidine, an amino acid with similar properties. This change occurs in the first base pair of coding exon 7. This amino acid position is conserved. In addition, this alteration is predicted to be tolerated by in silico analysis. Since supporting evidence is limited at this time, the clinical significance of this alteration remains unclear.

NM_001868.4(CPA1):c.697A>C (p.Asn233His)

Gene: CPA1 (carboxypeptidase A1; plus strand). Cytogenetic location: 7q32.2.
Variant type: single nucleotide variant.
Coding change: c.697A>C on transcript NM_001868.4 (MANE Select); coding-DNA position 697, A replaced by C.
Protein change: p.Asn233His; replaces asparagine 233 with histidine.
Molecular consequence: missense variant.
Genome position (GRCh38, 1-based): chr7:130,384,536, A>C. VCF-style: chr7-130384536-A-C. GRCh37 (hg19) VCF-style: chr7-130024377-A-C.
Other names: short protein forms N233H.
Identifiers: ClinVar variation 1756410 (VCV001756410.2), dbSNP rs2536010823, ClinGen allele CA369282880.
Genomic context (GRCh38, chr7:130,384,536, plus strand): 5'-CCAGCACTGTGACAAGCGTCACACGTGCCTCGGGGTGGCTGATCCCATTTCCTTCCTCAG[A>C]ATCGCATGTGGCGCAAGACTCGGTCCCACACAGCAGGCTCCCTCTGTATTGGCGTGGACC-3'
Protein context (NP_001859.1, residues 223-243): PDGFAFTHST[Asn233His]RMWRKTRSHT